The following is an entry in ClinVar:

NM_006767.4(LZTR1):c.1577A>G (p.Gln526Arg)

Gene: LZTR1 (leucine zipper like post translational regulator 1; plus strand). Cytogenetic location: 22q11.21.
Variant type: single nucleotide variant.
Coding change: c.1577A>G on transcript NM_006767.4 (MANE Select); coding-DNA position 1577, A replaced by G.
Protein change: p.Gln526Arg; replaces glutamine 526 with arginine.
Molecular consequence: missense variant.
Genome position (GRCh38, 1-based): chr22:20,994,231, A>G. VCF-style: chr22-20994231-A-G. GRCh37 (hg19) VCF-style: chr22-21348520-A-G.
Other names: short protein forms Q526R.
Identifiers: ClinVar variation 3931550 (VCV003931550.1).

ClinVar aggregate classification (germline): Uncertain significance (1 of 4 stars; one submission).

Conditions:
Cardiovascular phenotype. Identifiers: MedGen CN230736.
Hereditary cancer-predisposing syndrome. Also called: Tumor predisposition; Hereditary neoplastic syndrome; Hereditary Cancer Syndrome; Neoplastic Syndromes, Hereditary. Identifiers: Orphanet 140162, MedGen C0027672, MeSH D009386, MONDO:0015356.

Submission:

Ambry Genetics
Classification: Uncertain significance for Cardiovascular phenotype; Hereditary cancer-predisposing syndrome. Last evaluated: 2025-04-13. Review status: criteria provided, single submitter. Criteria: Ambry Variant Classification Scheme 2023. Collection method: clinical testing. Allele origin: germline.
Comment: The p.Q526R variant (also known as c.1577A>G), located in coding exon 14 of the LZTR1 gene, results from an A to G substitution at nucleotide position 1577. The glutamine at codon 526 is replaced by arginine, an amino acid with highly similar properties. This amino acid position is conserved. In addition, the in silico prediction for this alteration is inconclusive. Based on the available evidence, the clinical significance of this variant remains unclear.